The following is an entry in ClinVar:

NM_001244944.2(STEAP2):c.1452G>A (p.Pro484=)

Gene: STEAP2 (STEAP2 metalloreductase; plus strand). Cytogenetic location: 7q21.13.
Variant type: single nucleotide variant.
Coding change: c.1452G>A on transcript NM_001244944.2 (MANE Select); coding-DNA position 1452, G replaced by A.
Protein change: p.Pro484=; no amino-acid change (proline 484 retained).
Molecular consequence: synonymous variant. On other transcripts: intron variant (3).
Genome position (GRCh38, 1-based): chr7:90,232,603, G>A. VCF-style: chr7-90232603-G-A. GRCh37 (hg19) VCF-style: chr7-89861917-G-A.
Other names: c.1452G>A, p.Pro484= (NM_001040665.2, NM_152999.4); c.1333+119G>A (NM_001244945.2, NM_001040666.2); c.1185+2567G>A (NM_001244946.2).
Identifiers: ClinVar variation 4981526 (VCV004981526.1).
Genomic context (GRCh38, chr7:90,232,603, plus strand): 5'-CTGGGAAAAGAGCCAATTTCTGGAAGAAGGTATGGGAGGAACAATTCCTCATGTCTCCCC[G>A]GAGAGGGTCACAGTAATGTGATGACAAATGGTGTTCACAGCTGCCATATAAAGTTCTACT-3'
Protein context (NP_001231873.1, residues 474-490): GMGGTIPHVS[Pro484=]ERVTVM

ClinVar aggregate classification (germline): Likely benign (1 of 4 stars; one submission).

Conditions:
STEAP2-related disorder. Also called: STEAP2-related condition.

gnomAD v4.1: 179 of 1,611,776 alleles (0.011%); highest among the groups gnomAD compares: Middle Eastern, 0.099%; no homozygotes.

Submission:

PreventionGenetics, part of Exact Sciences
Classification: Likely benign for STEAP2-related condition. Last evaluated: 2025-02-12. Review status: criteria provided, single submitter. Criteria: ACMG Guidelines, 2015. Collection method: clinical testing. Allele origin: germline.
Comment: This variant is classified as likely benign based on ACMG/AMP sequence variant interpretation guidelines (Richards et al. 2015 PMID: 25741868, with internal and published modifications).